The following is an entry in ClinVar:

ClinVar aggregate classification (germline): Likely pathogenic (1 of 4 stars; one submission).

Conditions:
Mucopolysaccharidosis type 7 (MPS7). Also called: GUSB DEFICIENCY; MPS VII; BETA-GLUCURONIDASE DEFICIENCY; SLY SYNDROME. Identifiers: Orphanet 584, MedGen C0085132, MONDO:0009662, OMIM 253220.

Submission:

Women's Health and Genetics/Laboratory Corporation of America, LabCorp
Classification: Likely pathogenic for Mucopolysaccharidosis type 7. Last evaluated: 2024-09-18. Review status: criteria provided, single submitter. Criteria: LabCorp Variant Classification Summary - May 2015. Collection method: clinical testing. Allele origin: germline.
Comment: Variant summary: GUSB c.448G>A (p.Glu150Lys) results in a conservative amino acid change located in the glycosyl hydrolases family 2, sugar binding domain (IPR006104) of the encoded protein sequence. Four of five in-silico tools predict a damaging effect of the variant on protein function. The variant was absent in 248810 control chromosomes (gnomAD). c.448G>A has been reported in the literature in at least an individual affected with early onset mucopolysaccharidosis Type VII (Sly Syndrome) (example: Vervoort_1996). In vitro functional assay reveal reduced enzymatic activity for the variant (Vervoort_1996). The following publication has been ascertained in the context of this evaluation (PMID: 8644704). No submitters have cited clinical-significance assessments for this variant to ClinVar. Based on the evidence outlined above, the variant was classified as likely pathogenic.

Literature cited by the submitters: PubMed 8644704.

NM_000181.4(GUSB):c.448G>A (p.Glu150Lys)

Gene: GUSB (glucuronidase beta; minus strand). Cytogenetic location: 7q11.21.
Variant type: single nucleotide variant.
Coding change: c.448G>A on transcript NM_000181.4 (MANE Select); coding-DNA position 448, G replaced by A.
Protein change: p.Glu150Lys; replaces glutamic acid 150 with lysine.
Molecular consequence: missense variant. On other transcripts: non-coding transcript variant (1), intron variant (2).
Genome position (GRCh38, 1-based): chr7:65,979,860, C>T on the plus strand (G>A on the coding strand, the complement: GUSB is on the minus strand). VCF-style: chr7-65979860-C-T. GRCh37 (hg19) VCF-style: chr7-65444847-C-T.
Other names: c.448G>A, p.Glu150Lys (NM_001284290.2); c.67+364G>A (NM_001293105.2); c.12-319G>A (NM_001293104.2); short protein forms E150K.
Identifiers: ClinVar variation 3375399 (VCV003375399.1).
Genomic context (GRCh38, chr7:65,979,860, plus strand): 5'-TAGTGATTCGGAGCCGGGAGGGCAGGGGCCCCACCTGGACCAGGTTGCTGATGTCGGCCT[C>T]GAAGGGGAGGTAGCCCCCCTCATGCTCTAGCGTGTCGACCCCATTCACCCACTGCAGACA-3'
Protein context (NP_000172.2, residues 140-160): LEHEGGYLPF[Glu150Lys]ADISNLVQVG